The following is an entry in ClinVar:

NM_005518.4(HMGCS2):c.1112C>G (p.Ser371Cys)

Gene: HMGCS2 (3-hydroxy-3-methylglutaryl-CoA synthase 2; minus strand). Cytogenetic location: 1p12.
Variant type: single nucleotide variant.
Coding change: c.1112C>G on transcript NM_005518.4 (MANE Select); coding-DNA position 1112, C replaced by G.
Protein change: p.Ser371Cys; replaces serine 371 with cysteine.
Molecular consequence: missense variant.
Genome position (GRCh38, 1-based): chr1:119,755,502, G>C on the plus strand (C>G on the coding strand, the complement: HMGCS2 is on the minus strand). VCF-style: chr1-119755502-G-C. GRCh37 (hg19) VCF-style: chr1-120298125-G-C.
Other names: c.986C>G, p.Ser329Cys (NM_001166107.1); short protein forms S371C, S329C.
Identifiers: ClinVar variation 2138012 (VCV002138012.5), dbSNP rs762536796, ClinGen allele CA1037677.
Genomic context (GRCh38, chr1:119,755,502, plus strand): 5'-GCCAGGCACCCGTACAGGGATGAGGTGTACATGTTCCCATTGTGAGTGGAGAGGTAAAGG[G>C]AAGCCTTGGTTTTCTTGTCGAACATGTCCTGAGAGGCCTTTAGAAGTGCTTTATCCAGGT-3'
Protein context (NP_005509.1, residues 361-381): QDMFDKKTKA[Ser371Cys]LYLSTHNGNM

ClinVar aggregate classification (germline): Uncertain significance. Review status: criteria provided, multiple submitters, no conflicts (2 of 4 stars). 2 submissions from 2 submitters: Uncertain significance (2). Last evaluated 2024-12-16.

Conditions:
Inborn genetic diseases. Identifiers: MedGen C0950123, MeSH D030342.
3-hydroxy-3-methylglutaryl-CoA synthase deficiency (HMGCS2D). Also called: MITOCHONDRIAL HMG-CoA SYNTHASE DEFICIENCY; HMG-CoA synthase-2 deficiency; HMGCS2 DEFICIENCY. Identifiers: Orphanet 35701, MedGen C2751532, MONDO:0011614, OMIM 605911.

Allele frequency attached by ClinVar (database versions not stated): gnomAD 0.00001; gnomAD exomes 0.00003; ExAC 0.00004; TOPMed 0.00004.
gnomAD v4.1: 21 of 1,614,042 alleles (0.0013%); highest among the groups gnomAD compares: Admixed American, 0.033%; no homozygotes.

Submissions (2):

Labcorp Genetics (formerly Invitae), Labcorp
Classification: Uncertain significance for 3-hydroxy-3-methylglutaryl-CoA synthase deficiency. Last evaluated: 2024-12-16. Review status: criteria provided, single submitter. Criteria: Invitae Variant Classification Sherloc (09022015). Collection method: clinical testing. Allele origin: germline.
Comment: This sequence change replaces serine, which is neutral and polar, with cysteine, which is neutral and slightly polar, at codon 371 of the HMGCS2 protein (p.Ser371Cys). The frequency data for this variant in the population databases is considered unreliable, as metrics indicate poor data quality at this position in the gnomAD database. This variant has not been reported in the literature in individuals affected with HMGCS2-related conditions. ClinVar contains an entry for this variant (Variation ID: 2138012). Invitae Evidence Modeling of protein sequence and biophysical properties (such as structural, functional, and spatial information, amino acid conservation, physicochemical variation, residue mobility, and thermodynamic stability) indicates that this missense variant is not expected to disrupt HMGCS2 protein function with a negative predictive value of 80%. In summary, the available evidence is currently insufficient to determine the role of this variant in disease. Therefore, it has been classified as a Variant of Uncertain Significance.

Ambry Genetics
Classification: Uncertain significance for Inborn genetic diseases. Last evaluated: 2021-04-01. Review status: criteria provided, single submitter. Criteria: Ambry Variant Classification Scheme 2023. Collection method: clinical testing. Allele origin: germline.